The following is an entry in ClinVar:

ClinVar aggregate classification (germline): Uncertain significance (1 of 4 stars; one submission).

Conditions:
Hereditary cancer-predisposing syndrome. Also called: Neoplastic Syndromes, Hereditary; Tumor predisposition; Hereditary neoplastic syndrome; Hereditary Cancer Syndrome. Identifiers: Orphanet 140162, MedGen C0027672, MeSH D009386, MONDO:0015356.

gnomAD v4.1: 1 of 1,613,958 alleles (0.000062%); highest among the groups gnomAD compares: East Asian, 0.0022%; no homozygotes.

Submission:

Ambry Genetics
Classification: Uncertain significance for Hereditary cancer-predisposing syndrome. Last evaluated: 2026-07-07. Review status: criteria provided, single submitter. Criteria: Ambry Variant Classification Scheme 2023. Collection method: clinical testing. Allele origin: germline.
Comment: The p.S73N variant (also known as c.218G>A), located in coding exon 3 of the RAD51D gene, results from a G to A substitution at nucleotide position 218. The serine at codon 73 is replaced by asparagine, an amino acid with highly similar properties. This amino acid position is conserved. In addition, this alteration is predicted to be tolerated by in silico analysis. Based on the available evidence, the clinical significance of this variant remains unclear.

NM_002878.4(RAD51D):c.263+1537G>A

Genes: RAD51D (RAD51 paralog D; minus strand), RAD51L3-RFFL (RAD51L3-RFFL readthrough; minus strand). Cytogenetic location: 17q12.
Variant type: single nucleotide variant.
Coding change: c.263+1537G>A on transcript NM_002878.4 (MANE Select); 1537 bases into the intron after coding-DNA position 263, G replaced by A.
Molecular consequence: intron variant. On other transcripts: missense variant (1).
Genome position (GRCh38, 1-based): chr17:35,116,964, C>T on the plus strand (G>A on the coding strand, the complement: RAD51D is on the minus strand). VCF-style: chr17-35116964-C-T. GRCh37 (hg19) VCF-style: chr17-33443983-C-T.
Other names: c.218G>A, p.Ser73Asn (NM_001142571.2); c.144+2147G>A (NM_133629.3); short protein forms S73N.
Identifiers: ClinVar variation 5027836 (VCV005027836.1).